The following is an entry in ClinVar:

NM_001267550.2(TTN):c.6449T>C (p.Met2150Thr)

Gene: TTN (titin; minus strand). Cytogenetic location: 2q31.2.
Variant type: single nucleotide variant.
Coding change: c.6449T>C on transcript NM_001267550.2 (MANE Select); coding-DNA position 6449, T replaced by C.
Protein change: p.Met2150Thr; replaces methionine 2150 with threonine.
Molecular consequence: missense variant.
Genome position (GRCh38, 1-based): chr2:178,775,415, A>G on the plus strand (T>C on the coding strand, the complement: TTN is on the minus strand). VCF-style: chr2-178775415-A-G. GRCh37 (hg19) VCF-style: chr2-179640142-A-G.
Other names: c.6449T>C, p.Met2150Thr (NM_001256850.1, NM_133378.4, NM_133379.5); c.6311T>C, p.Met2104Thr (NM_003319.4, NM_133432.3, NM_133437.4); short protein forms M2104T, M2150T.
Identifiers: ClinVar variation 1752802 (VCV001752802.2), dbSNP rs761352132, ClinGen allele CA2005046.
Genomic context (GRCh38, chr2:178,775,415, plus strand): 5'-CCTTGGACAAGTAAGAATGCGTGACTGGAGGTTTCTCCAGCTATGTTGATGGCTTTTACC[A>G]TGATGCTGGCAGAGTCCTCAGCAGTCACATCTCTTATGACCAATTCACAAACATTGTCTT-3'
Protein context (NP_001254479.2, residues 2140-2160): DVTAEDSASI[Met2150Thr]VKAINIAGET

ClinVar aggregate classification (germline): Uncertain significance (1 of 4 stars; one submission).

Conditions:
Cardiovascular phenotype. Identifiers: MedGen CN230736.

Allele frequency attached by ClinVar (database versions not stated): ExAC 0.00001; gnomAD exomes 0.00002; TOPMed 0.00002; gnomAD 0.00003.
gnomAD v4.1: 31 of 1,613,960 alleles (0.0019%); highest among the groups gnomAD compares: African/African-American, 0.004%; no homozygotes.

Submission:

Ambry Genetics
Classification: Uncertain significance for Cardiovascular phenotype. Last evaluated: 2020-06-30. Review status: criteria provided, single submitter. Criteria: Ambry Variant Classification Scheme 2023. Collection method: clinical testing. Allele origin: germline.
Comment: The p.M2104T variant (also known as c.6311T>C), located in coding exon 26 of the TTN gene, results from a T to C substitution at nucleotide position 6311. The methionine at codon 2104 is replaced by threonine, an amino acid with similar properties. This amino acid position is highly conserved in available vertebrate species. In addition, the in silico prediction for this alteration is inconclusive. Since supporting evidence is limited at this time, the clinical significance of this alteration remains unclear.